The following is an entry in ClinVar:

NM_002500.5(NEUROD1):c.296T>C (p.Phe99Ser)

Gene: NEUROD1 (neuronal differentiation 1; minus strand). Cytogenetic location: 2q31.3.
Variant type: single nucleotide variant.
Coding change: c.296T>C on transcript NM_002500.5 (MANE Select); coding-DNA position 296, T replaced by C.
Protein change: p.Phe99Ser; replaces phenylalanine 99 with serine.
Molecular consequence: missense variant.
Genome position (GRCh38, 1-based): chr2:181,678,565, A>G on the plus strand (T>C on the coding strand, the complement: NEUROD1 is on the minus strand). VCF-style: chr2-181678565-A-G. GRCh37 (hg19) VCF-style: chr2-182543292-A-G.
Other names: short protein forms F99S.
Identifiers: ClinVar variation 4741484 (VCV004741484.1).

ClinVar aggregate classification (germline): Uncertain significance (1 of 4 stars; one submission).

Submission:

Labcorp Genetics (formerly Invitae), Labcorp
Classification: Uncertain significance. Last evaluated: 2025-07-01. Review status: criteria provided, single submitter. Criteria: Invitae Variant Classification Sherloc (09022015). Collection method: clinical testing. Allele origin: germline.
Comment: This sequence change replaces phenylalanine, which is neutral and non-polar, with serine, which is neutral and polar, at codon 99 of the NEUROD1 protein (p.Phe99Ser). This variant is not present in population databases (gnomAD no frequency). This variant has not been reported in the literature in individuals affected with NEUROD1-related conditions. Invitae Evidence Modeling of protein sequence and biophysical properties (such as structural, functional, and spatial information, amino acid conservation, physicochemical variation, residue mobility, and thermodynamic stability) indicates that this missense variant is not expected to disrupt NEUROD1 protein function with a negative predictive value of 80%. In summary, the available evidence is currently insufficient to determine the role of this variant in disease. Therefore, it has been classified as a Variant of Uncertain Significance.